The following is an entry in ClinVar:

NM_001369.3(DNAH5):c.5591_5592dup (p.Glu1865fs)

Gene: DNAH5 (dynein axonemal heavy chain 5; minus strand). Cytogenetic location: 5p15.2.
Variant type: Duplication.
Coding change: c.5591_5592dup on transcript NM_001369.3 (MANE Select); coding-DNA positions 5591 to 5592, 2 bases duplicated (TG; older notation c.5591_5592dupTG).
Protein change: p.Glu1865fs; shifts the reading frame from glutamic acid 1865.
Molecular consequence: frameshift variant.
Genome position (GRCh38, 1-based): chr5:13,841,023-13,841,024, CA duplicated on the plus strand (TG on the coding strand, the reverse complement: DNAH5 is on the minus strand). VCF-style (leftmost placement, unchanged base first): chr5-13841022-C-CCA. GRCh37 (hg19) VCF-style: chr5-13841131-C-CCA.
Other names: short protein forms E1865fs.
Identifiers: ClinVar variation 5011163 (VCV005011163.1).

ClinVar aggregate classification (germline): Pathogenic (1 of 4 stars; one submission).

Conditions:
Primary ciliary dyskinesia 3. Identifiers: Orphanet 244, MedGen C1837618, MONDO:0012085, OMIM 608644.

Submission:

Myriad Genetics, Inc.
Classification: Pathogenic for Primary ciliary dyskinesia 3. Last evaluated: 2024-05-14. Review status: criteria provided, single submitter. Criteria: Myriad Autosomal Dominant, Autosomal Recessive and X-Linked Classification Criteria (2023). Collection method: clinical testing. Allele origin: unknown.
Comment: NM_001369.2(DNAH5):c.5591_5592dupTG(E1865Wfs*7) is expected to be pathogenic in the context of primary ciliary dyskinesia, DNAH5-related. This variant is predicted to lead to an abnormal or absent protein product due to the creation of a premature termination codon in DNAH5, a gene where loss-of-function variants are known to be pathogenic. Please note: this variant was assessed in the context of healthy population screening.